The following is an entry in ClinVar:

ClinVar aggregate classification (germline): Benign (1 of 4 stars; one submission).

Allele frequency attached by ClinVar (database versions not stated): gnomAD exomes 0.03537; gnomAD 0.03565 and 0.04021; TOPMed 0.04107; 1000 Genomes Project 30x 0.06777; 1000 Genomes Project 0.07009.
gnomAD v4.1: 34,715 of 955,762 alleles (3.6%); highest among the groups gnomAD compares: South Asian, 16%; 1,451 homozygotes.

Submission:

GeneDx
Classification: Benign. Last evaluated: 2018-06-16. Review status: criteria provided, single submitter. Criteria: GeneDx Variant Classification (06012015). Collection method: clinical testing. Allele origin: germline. Affected: yes.
Comment: This variant is considered likely benign or benign based on one or more of the following criteria: it is a conservative change, it occurs at a poorly conserved position in the protein, it is predicted to be benign by multiple in silico algorithms, and/or has population frequency not consistent with disease.

NM_001267550.2(TTN):c.29041+145T>C

Gene: TTN (titin; minus strand). Cytogenetic location: 2q31.2.
Variant type: single nucleotide variant.
Coding change: c.29041+145T>C on transcript NM_001267550.2 (MANE Select); 145 bases into the intron after coding-DNA position 29041, T replaced by C.
Molecular consequence: intron variant.
Genome position (GRCh38, 1-based): chr2:178,707,381, A>G on the plus strand (T>C on the coding strand, the complement: TTN is on the minus strand). VCF-style: chr2-178707381-A-G. GRCh37 (hg19) VCF-style: chr2-179572108-A-G.
Other names: c.13282+30701T>C (NM_003319.4); c.13858+30701T>C (NM_133437.4); c.13657+30701T>C (NM_133432.3); c.25309+145T>C (NM_133378.4); c.28090+145T>C (NM_001256850.1).
Identifiers: ClinVar variation 672573 (VCV000672573.1), dbSNP rs10179811, ClinGen allele CA61001831.